The following is an entry in ClinVar:

ClinVar aggregate classification (germline): Likely pathogenic. Review status: criteria provided, multiple submitters, no conflicts (2 of 4 stars). 2 submissions from 2 submitters: Likely pathogenic (2). Last evaluated 2024-12-26.

Conditions:
Retinitis pigmentosa 26 (RP26). Identifiers: Orphanet 791, MedGen C1842127, MONDO:0012024, OMIM 608380.

Allele frequency attached by ClinVar (database versions not stated): ExAC 0.00001; gnomAD 0.00001; TOPMed 0.00001.

Submissions (2):

Natera, Inc.
Classification: Likely pathogenic for Retinitis Pigmentosa 26. Last evaluated: 2024-12-26. Review status: criteria provided, single submitter. Criteria: Natera Variant Classification Schema (03/2026). Collection method: clinical testing. Allele origin: germline.
Comment: The c.385G>T variant in CERKL is a nonsense variant predicted to introduce a stop codon at amino acid 129. This variant is expected to result in nonsense mediated decay, truncation, or a dysfunctional protein product. This variant is rare in the general population with a frequency below the threshold expected for the associated phenotype(s). Given the available evidence, this variant is classified as Likely Pathogenic.

Baylor Genetics
Classification: Likely pathogenic for Retinitis pigmentosa 26. Last evaluated: 2024-03-23. Review status: criteria provided, single submitter. Criteria: ACMG Guidelines, 2015. Collection method: clinical testing. Allele origin: unknown.

NM_201548.5(CERKL):c.385G>T (p.Glu129Ter)

Gene: CERKL (CERK like autophagy regulator; minus strand). Cytogenetic location: 2q31.3.
Variant type: single nucleotide variant.
Coding change: c.385G>T on transcript NM_201548.5 (MANE Select); coding-DNA position 385, G replaced by T.
Protein change: p.Glu129Ter; replaces glutamic acid 129 with a stop codon.
Molecular consequence: nonsense. On other transcripts: non-coding transcript variant (2).
Genome position (GRCh38, 1-based): chr2:181,603,933, C>A on the plus strand (G>T on the coding strand, the complement: CERKL is on the minus strand). VCF-style: chr2-181603933-C-A. GRCh37 (hg19) VCF-style: chr2-182468660-C-A.
Other names: c.385G>T, p.Glu129Ter (NM_001030311.3, NM_001030312.3, NM_001030313.3 and 3 more transcripts); c.385G>T (NM_001030311.2); short protein forms E129*.
Identifiers: ClinVar variation 2680669 (VCV002680669.3), dbSNP rs765305472, ClinGen allele CA2010852.